The following is an entry in ClinVar:

ClinVar aggregate classification (germline): Uncertain significance. Review status: criteria provided, multiple submitters, no conflicts (2 of 4 stars). 2 submissions from 2 submitters: Uncertain significance (2). Last evaluated 2025-08-12.

Conditions:
Inborn genetic diseases. Identifiers: MedGen C0950123, MeSH D030342.

gnomAD v4.1: 27 of 1,613,994 alleles (0.0017%); highest among the groups gnomAD compares: Non-Finnish European, 0.002%; no homozygotes.

Submissions (2):

Ambry Genetics
Classification: Uncertain significance for Inborn genetic diseases. Last evaluated: 2025-08-12. Review status: criteria provided, single submitter. Criteria: Ambry Variant Classification Scheme 2023. Collection method: clinical testing. Allele origin: germline.

GeneDx
Classification: Uncertain significance. Last evaluated: 2023-05-25. Review status: criteria provided, single submitter. Criteria: GeneDx Variant Classification Process June 2021. Collection method: clinical testing. Allele origin: germline. Affected: yes.
Comment: Not observed at significant frequency in large population cohorts (gnomAD); In silico analysis supports that this missense variant does not alter protein structure/function; Has not been previously published as pathogenic or benign to our knowledge

NM_001206999.2(CIT):c.5383G>A (p.Glu1795Lys)

Gene: CIT (citron rho-interacting serine/threonine kinase; minus strand). Cytogenetic location: 12q24.23.
Variant type: single nucleotide variant.
Coding change: c.5383G>A on transcript NM_001206999.2 (MANE Select); coding-DNA position 5383, G replaced by A.
Protein change: p.Glu1795Lys; replaces glutamic acid 1795 with lysine.
Molecular consequence: missense variant.
Genome position (GRCh38, 1-based): chr12:119,701,880, C>T on the plus strand (G>A on the coding strand, the complement: CIT is on the minus strand). VCF-style: chr12-119701880-C-T. GRCh37 (hg19) VCF-style: chr12-120139685-C-T.
Other names: c.5257G>A, p.Glu1753Lys (NM_007174.3); short protein forms E1753K, E1795K.
Identifiers: ClinVar variation 2515829 (VCV002515829.4), dbSNP rs759976682, ClinGen allele CA6820910.